The following is an entry in ClinVar:

ClinVar aggregate classification (germline): Uncertain significance (1 of 4 stars; one submission).

Allele frequency attached by ClinVar (database versions not stated): gnomAD exomes below 0.00001.
gnomAD v4.1: 1 of 1,548,704 alleles (0.000065%); highest among the groups gnomAD compares: Non-Finnish European, 0.000087%; no homozygotes.

Submission:

GeneDx
Classification: Uncertain significance. Last evaluated: 2017-07-24. Review status: criteria provided, single submitter. Criteria: GeneDx Variant Classification (06012015). Collection method: clinical testing. Allele origin: germline. Affected: yes.
Comment: A variant of uncertain significance has been identified in the TPM1 gene. The A77D variant has not been published as pathogenic or been reported as benign to our knowledge. This variant is not observed in large population cohorts (Lek et al., 2016; 1000 Genomes Consortium et al., 2015; Exome Variant Server). The A77D variant is a non-conservative amino acid substitution, which is likely to impact secondary protein structure as these residues differ in polarity, charge, size and/or other properties. This substitution occurs at a position that is conserved across species and in silico analysis predicts this variant is probably damaging to the protein structure/function. However, this variant occurs in an alternate transcript where no nearby missense variants have been reported in the Human Gene Mutation Database in association with cardiomyopathy (Stenson et al., 2014).

NM_001018005.2(TPM1):c.115-206C>A

Gene: TPM1 (tropomyosin 1; plus strand). Cytogenetic location: 15q22.2.
Variant type: single nucleotide variant.
Coding change: c.115-206C>A on transcript NM_001018005.2 (MANE Select); 206 bases into the intron before coding-DNA position 115, C replaced by A.
Molecular consequence: intron variant. On other transcripts: missense variant (4).
Genome position (GRCh38, 1-based): chr15:63,043,821, C>A. VCF-style: chr15-63043821-C-A. GRCh37 (hg19) VCF-style: chr15-63336020-C-A.
Other names: c.230C>A, p.Ala77Asp (NM_001018007.2, NM_001018020.2, NM_001301244.2 and 1 more transcripts); c.115-206C>A (NM_001018006.2, NM_001365776.1, NM_001018004.2 and 3 more transcripts); short protein forms A77D.
Identifiers: ClinVar variation 450752 (VCV000450752.2), dbSNP rs1555403294, ClinGen allele CA392718445.